The following is an entry in ClinVar:

ClinVar aggregate classification (germline): Likely benign (1 of 4 stars; one submission).

Submission:

CeGaT Center for Human Genetics Tuebingen
Classification: Likely benign. Last evaluated: 2026-02-01. Review status: criteria provided, single submitter. Criteria: CeGaT Center For Human Genetics Tuebingen Variant Classification Criteria Version 2. Collection method: clinical testing. Allele origin: germline. Affected: yes. Observed: 1 variant allele.
Comment: TTN: PM2:Supporting, BP4, BP7

NM_001267550.2(TTN):c.35901C>G (p.Val11967=)

Gene: TTN (titin; minus strand). Cytogenetic location: 2q31.2.
Variant type: single nucleotide variant.
Coding change: c.35901C>G on transcript NM_001267550.2 (MANE Select); coding-DNA position 35901, C replaced by G.
Protein change: p.Val11967=; no amino-acid change (valine 11967 retained).
Molecular consequence: synonymous variant. On other transcripts: intron variant (5).
Genome position (GRCh38, 1-based): chr2:178,665,766, G>C on the plus strand (C>G on the coding strand, the complement: TTN is on the minus strand). VCF-style: chr2-178665766-G-C. GRCh37 (hg19) VCF-style: chr2-179530493-G-C.
Other names: c.13283-23449C>G (NM_003319.4); c.13859-23449C>G (NM_133437.4); c.13658-23449C>G (NM_133432.3); c.31484-2711C>G (NM_133378.4); c.34265-2711C>G (NM_001256850.1).
Identifiers: ClinVar variation 4823476 (VCV004823476.4).